The following is an entry in ClinVar:

ClinVar aggregate classification (germline): Conflicting classifications of pathogenicity. Review status: criteria provided, conflicting classifications (1 of 4 stars). 4 submissions from 4 submitters: Uncertain significance (3); Likely benign (1). Last evaluated 2024-03-06.

Conditions:
Marfan syndrome (MFS). Also called: Marfan syndrome type 1; Marfan's syndrome; Marfan syndrome, classic; MARFAN SYNDROME, TYPE I; FBN1-Related Marfan Syndrome. Identifiers: Orphanet 284963, Orphanet 558, MedGen C0024796, MONDO:0007947, OMIM 154700.
Familial thoracic aortic aneurysm and aortic dissection (TAAD). Also called: Thoracic aortic aneurysms and dissections. Identifiers: Orphanet 91387, MedGen C4707243, MONDO:0019625.
Geleophysic dysplasia 2 (GPHYSD2). Identifiers: Orphanet 2623, MedGen C3280054, MONDO:0013612, OMIM 614185.
Progeroid and marfanoid aspect-lipodystrophy syndrome. Also called: MARFANOID-PROGEROID-LIPODYSTROPHY SYNDROME; MARFANOID-PROGEROID SYNDROME; MARFAN-PROGEROID-LIPODYSTROPHY SYNDROME; Marfan lipodystrophy syndrome. Identifiers: Orphanet 300382, MedGen C4310796, MONDO:0014831, OMIM 616914.
Ectopia lentis 1, isolated, autosomal dominant (ECTOL1). Identifiers: Orphanet 1885, MedGen C3541518, MONDO:0007514, OMIM 129600.
Stiff skin syndrome (SSKS). Identifiers: Orphanet 2833, MedGen C1861456, MONDO:0008492, OMIM 184900.
Acromicric dysplasia (ACMICD). Also called: Acromicric skeletal dysplasia. Identifiers: Orphanet 969, MedGen C0265287, MONDO:0007055, OMIM 102370.
MASS syndrome (OCTD). Also called: MASS PHENOTYPE; OVERLAP CONNECTIVE TISSUE DISEASE. Identifiers: MedGen C1858556, MONDO:0011431, OMIM 604308.
Weill-Marchesani syndrome 2, dominant. Also called: Weill-Marchesani Syndrome, Autosomal Dominant; FBN1-Related Weill-Marchesani Syndrome. Identifiers: Orphanet 2084, MedGen C1869115, MONDO:0012013, OMIM 608328.

Allele frequency attached by ClinVar (database versions not stated): gnomAD exomes below 0.00001.
gnomAD v4.1: 1 of 1,614,248 alleles (0.000062%); highest among the groups gnomAD compares: Non-Finnish European, 0.000085%; no homozygotes.

Submissions (4):

Color Diagnostics, LLC DBA Color Health
Classification: Uncertain significance for Familial thoracic aortic aneurysm and aortic dissection. Last evaluated: 2024-03-06. Review status: criteria provided, single submitter. Criteria: ACMG Guidelines, 2015. Collection method: clinical testing. Allele origin: germline.
Comment: This missense variant replaces leucine with proline at codon 647 of the FBN1 protein. Computational prediction is inconclusive regarding the impact of this variant on protein structure and function (internally defined REVEL score threshold 0.5 < inconclusive < 0.7, PMID: 27666373). To our knowledge, functional studies have not been reported for this variant. This variant has not been reported in individuals affected with FBN1-related disorders in the literature. This variant has been identified in 1/251448 chromosomes in the general population by the Genome Aggregation Database (gnomAD). The available evidence is insufficient to determine the role of this variant in disease conclusively. Therefore, this variant is classified as a Variant of Uncertain Significance.

All of Us Research Program, National Institutes of Health
Classification: Uncertain significance for Marfan syndrome. Last evaluated: 2024-03-05. Review status: criteria provided, single submitter. Criteria: ACMG Guidelines, 2015. Collection method: clinical testing. Allele origin: germline. Inheritance: Autosomal dominant inheritance. Observed: 1 variant allele, 1 heterozygote.
Comment: This missense variant replaces leucine with proline at codon 647 of the FBN1 protein. Computational prediction is inconclusive regarding the impact of this variant on protein structure and function (internally defined REVEL score threshold 0.5 < inconclusive < 0.7, PMID: 27666373). To our knowledge, functional studies have not been reported for this variant. This variant has not been reported in individuals affected with cardiovascular disorders in the literature. This variant has been identified in 1/251448 chromosomes in the general population by the Genome Aggregation Database (gnomAD). The available evidence is insufficient to determine the role of this variant in disease conclusively. Therefore, this variant is classified as a Variant of Uncertain Significance.

This study involves interpretation of variants in research participants for the purpose of population health screening. Participant phenotype was not available at the time of variant classification. Additional details can be found in publication PMID: 35346344, PMCID: PMC8962531

Labcorp Genetics (formerly Invitae), Labcorp
Classification: Likely benign for Marfan syndrome; Familial thoracic aortic aneurysm and aortic dissection. Last evaluated: 2022-06-25. Review status: criteria provided, single submitter. Criteria: Invitae Variant Classification Sherloc (09022015). Collection method: clinical testing. Allele origin: germline.

Fulgent Genetics
Classification: Uncertain significance for Acromicric dysplasia; Ectopia lentis 1, isolated, autosomal dominant; Marfan syndrome; Stiff skin syndrome; MASS syndrome; Weill-Marchesani syndrome 2, dominant; Geleophysic dysplasia 2; Progeroid and marfanoid aspect-lipodystrophy syndrome. Last evaluated: 2021-09-30. Review status: criteria provided, single submitter. Criteria: ACMG Guidelines, 2015. Collection method: clinical testing. Allele origin: unknown.

NM_000138.5(FBN1):c.1940T>C (p.Leu647Pro)

Gene: FBN1 (fibrillin 1; minus strand). Cytogenetic location: 15q21.1.
Variant type: single nucleotide variant.
Coding change: c.1940T>C on transcript NM_000138.5 (MANE Select); coding-DNA position 1940, T replaced by C.
Protein change: p.Leu647Pro; replaces leucine 647 with proline.
Molecular consequence: missense variant.
Genome position (GRCh38, 1-based): chr15:48,505,045, A>G on the plus strand (T>C on the coding strand, the complement: FBN1 is on the minus strand). VCF-style: chr15-48505045-A-G. GRCh37 (hg19) VCF-style: chr15-48797242-A-G.
Other names: short protein forms L647P.
Identifiers: ClinVar variation 1171112 (VCV001171112.13), dbSNP rs1566913983, ClinGen allele CA392338995.